The following is an entry in ClinVar:

NM_033109.5(PNPT1):c.1336A>T (p.Arg446Ter)

Gene: PNPT1 (polyribonucleotide nucleotidyltransferase 1; minus strand). Cytogenetic location: 2p16.1.
Variant type: single nucleotide variant.
Coding change: c.1336A>T on transcript NM_033109.5 (MANE Select); coding-DNA position 1336, A replaced by T.
Protein change: p.Arg446Ter; replaces arginine 446 with a stop codon.
Molecular consequence: nonsense.
Genome position (GRCh38, 1-based): chr2:55,656,320, T>A on the plus strand (A>T on the coding strand, the complement: PNPT1 is on the minus strand). VCF-style: chr2-55656320-T-A. GRCh37 (hg19) VCF-style: chr2-55883455-T-A.
Other names: short protein forms R446*.
Identifiers: ClinVar variation 2109038 (VCV002109038.4), dbSNP rs2529523659, ClinGen allele CA346927338.
Genomic context (GRCh38, chr2:55,656,320, plus strand): 5'-AGTCTCTGTAAGAATACCGTATTAAGTTTACAGACCTGTACTTACCATGCCCAAGTTCTC[T>A]TCTATTTAAACCAGTGACTTTGCCAATTTCATTAGTTGCATAAGGAGGAAACTTAAAAAA-3'

ClinVar aggregate classification (germline): Pathogenic (1 of 4 stars; one submission).

Submission:

Labcorp Genetics (formerly Invitae), Labcorp
Classification: Pathogenic. Last evaluated: 2022-10-03. Review status: criteria provided, single submitter. Criteria: Invitae Variant Classification Sherloc (09022015). Collection method: clinical testing. Allele origin: germline.
Comment: For these reasons, this variant has been classified as Pathogenic. This variant has not been reported in the literature in individuals affected with PNPT1-related conditions. This variant is not present in population databases (gnomAD no frequency). This sequence change creates a premature translational stop signal (p.Arg446*) in the PNPT1 gene. It is expected to result in an absent or disrupted protein product. Loss-of-function variants in PNPT1 are known to be pathogenic (PMID: 28594066, 30244537).

Literature cited by the submitters: PubMed 28594066; PubMed 30244537.